The following is an entry in ClinVar:

ClinVar aggregate classification (germline): Uncertain significance. Review status: criteria provided, multiple submitters, no conflicts (2 of 4 stars). 2 submissions from 2 submitters: Uncertain significance (2). Last evaluated 2023-07-24.

Conditions:
Chuvash polycythemia. Also called: POLYCYTHEMIA, VHL-DEPENDENT. Identifiers: Orphanet 238557, MedGen C1837915, MONDO:0009892, OMIM 263400.
Von Hippel-Lindau syndrome (VHLS). Also called: VHL syndrome; von Hippel–Lindau syndrome; Von Hippel-Lindau. Identifiers: Orphanet 892, MedGen C0019562, MONDO:0008667, OMIM 193300. Disease mechanism: loss of function.
Hereditary cancer-predisposing syndrome. Also called: Hereditary neoplastic syndrome; Tumor predisposition; Neoplastic Syndromes, Hereditary; Hereditary Cancer Syndrome. Identifiers: Orphanet 140162, MedGen C0027672, MeSH D009386, MONDO:0015356.

Submissions (2):

Ambry Genetics
Classification: Uncertain significance for Hereditary cancer-predisposing syndrome. Last evaluated: 2023-07-24. Review status: criteria provided, single submitter. Criteria: Ambry Variant Classification Scheme 2023. Collection method: clinical testing. Allele origin: germline.
Comment: The p.P172S variant (also known as c.514C>T), located in coding exon 3 of the VHL gene, results from a C to T substitution at nucleotide position 514. The proline at codon 172 is replaced by serine, an amino acid with similar properties. This amino acid position is highly conserved in available vertebrate species. In addition, this alteration is predicted to be deleterious by in silico analysis. Since supporting evidence is limited at this time, the clinical significance of this alteration remains unclear.

Labcorp Genetics (formerly Invitae), Labcorp
Classification: Uncertain significance for Von Hippel-Lindau syndrome; Chuvash polycythemia. Last evaluated: 2022-02-01. Review status: criteria provided, single submitter. Criteria: Invitae Variant Classification Sherloc (09022015). Collection method: clinical testing. Allele origin: germline.
Comment: In summary, the available evidence is currently insufficient to determine the role of this variant in disease. Therefore, it has been classified as a Variant of Uncertain Significance. Advanced modeling of protein sequence and biophysical properties (such as structural, functional, and spatial information, amino acid conservation, physicochemical variation, residue mobility, and thermodynamic stability) performed at Invitae indicates that this missense variant is expected to disrupt VHL protein function. This variant has not been reported in the literature in individuals affected with VHL-related conditions. This variant is not present in population databases (gnomAD no frequency). This sequence change replaces proline, which is neutral and non-polar, with serine, which is neutral and polar, at codon 172 of the VHL protein (p.Pro172Ser).

NM_000551.4(VHL):c.514C>T (p.Pro172Ser)

Genes: VHL (von Hippel-Lindau tumor suppressor; plus strand), LOC107303340 (3p25 von Hippel-Lindau tumor suppressor, E3 ubiquitin protein ligase Alu-mediated recombination region; plus strand). Cytogenetic location: 3p25.3.
Variant type: single nucleotide variant.
Coding change: c.514C>T on transcript NM_000551.4 (MANE Select); coding-DNA position 514, C replaced by T.
Protein change: p.Pro172Ser; replaces proline 172 with serine.
Molecular consequence: missense variant. On other transcripts: 3 prime UTR variant (1).
Genome position (GRCh38, 1-based): chr3:10,149,837, C>T. VCF-style: chr3-10149837-C-T. GRCh37 (hg19) VCF-style: chr3-10191521-C-T.
Other names: c.*68C>T (NM_001354723.2); c.391C>T, p.Pro131Ser (NM_198156.3); short protein forms P131S, P172S.
Identifiers: ClinVar variation 2417858 (VCV002417858.10), dbSNP rs1473638511, ClinGen allele CA351756207.